The following is an entry in ClinVar:

NM_004519.4(KCNQ3):c.2014A>G (p.Lys672Glu)

Gene: KCNQ3 (potassium voltage-gated channel subfamily Q member 3; minus strand). Cytogenetic location: 8q24.22.
Variant type: single nucleotide variant.
Coding change: c.2014A>G on transcript NM_004519.4 (MANE Select); coding-DNA position 2014, A replaced by G.
Protein change: p.Lys672Glu; replaces lysine 672 with glutamic acid.
Molecular consequence: missense variant.
Genome position (GRCh38, 1-based): chr8:132,129,867, T>C on the plus strand (A>G on the coding strand, the complement: KCNQ3 is on the minus strand). VCF-style: chr8-132129867-T-C. GRCh37 (hg19) VCF-style: chr8-133142114-T-C.
Other names: c.1654A>G, p.Lys552Glu (NM_001204824.2); short protein forms K552E, K672E.
Identifiers: ClinVar variation 909669 (VCV000909669.9), dbSNP rs554613662, ClinGen allele CA185430131.
Genomic context (GRCh38, chr8:132,129,867, plus strand): 5'-GGCCTGTCTCAGAATAGTTGCAGATGATGGTTTTCAAATCGGAATACCTGTTGTCCTCCT[T>C]CTTCTCTGCTTCAGCTGGCGAGGAGGTGCCCTTGGTTGGGTAATACTCCGTGACCTGCAC-3'
Protein context (NP_004510.1, residues 662-682): GTSSPAEAEK[Lys672Glu]EDNRYSDLKT

ClinVar aggregate classification (germline): Uncertain significance. Review status: criteria provided, multiple submitters, no conflicts (2 of 4 stars). 3 submissions from 3 submitters: Uncertain significance (3). Last evaluated 2024-12-10.

Conditions:
Benign neonatal seizures. Also called: Benign neonatal familial convulsions; Benign familial neonatal seizures; Convulsions benign familial neonatal dominant form; Autosomal dominant form of benign neonatal seizures; Benign familial neonatal epilepsy. Identifiers: Orphanet 1949, MedGen C0220669, MONDO:0016027.
Seizures, benign familial neonatal, 2. Also called: Benign Neonatal Epilepsy 2; CONVULSIONS, BENIGN FAMILIAL NEONATAL, 2; KCNQ3-Related Benign Familial Neonatal Epilepsy; KCNQ3-Related Self-Limited Familial Neonatal Epilepsy (SLFNE); Seizures, benign neonatal, 2. Identifiers: Orphanet 1949, MedGen C1852581, MONDO:0007366, OMIM 121201.

Allele frequency attached by ClinVar (database versions not stated): gnomAD exomes below 0.00001.
gnomAD v4.1: 7 of 1,614,138 alleles (0.00043%); highest among the groups gnomAD compares: Non-Finnish European, 0.00059%; no homozygotes.

Submissions (3):

Labcorp Genetics (formerly Invitae), Labcorp
Classification: Uncertain significance for Benign neonatal seizures. Last evaluated: 2024-12-10. Review status: criteria provided, single submitter. Criteria: Invitae Variant Classification Sherloc (09022015). Collection method: clinical testing. Allele origin: germline.
Comment: This sequence change replaces lysine, which is basic and polar, with glutamic acid, which is acidic and polar, at codon 672 of the KCNQ3 protein (p.Lys672Glu). This variant is present in population databases (rs554613662, gnomAD 0.0009%). This variant has not been reported in the literature in individuals affected with KCNQ3-related conditions. ClinVar contains an entry for this variant (Variation ID: 909669). Invitae Evidence Modeling of protein sequence and biophysical properties (such as structural, functional, and spatial information, amino acid conservation, physicochemical variation, residue mobility, and thermodynamic stability) indicates that this missense variant is not expected to disrupt KCNQ3 protein function with a negative predictive value of 80%. In summary, the available evidence is currently insufficient to determine the role of this variant in disease. Therefore, it has been classified as a Variant of Uncertain Significance.

Revvity Omics, Revvity
Classification: Uncertain significance for Seizures, benign familial neonatal, 2. Last evaluated: 2022-03-22. Review status: criteria provided, single submitter. Criteria: ACMG Guidelines, 2015. Collection method: clinical testing. Allele origin: germline.

Illumina Laboratory Services, Illumina
Classification: Uncertain significance for Seizures, benign familial neonatal, 2. Last evaluated: 2018-01-12. Review status: criteria provided, single submitter. Criteria: ICSL Variant Classification Criteria 13 December 2019. Collection method: clinical testing. Allele origin: germline.